The following is an entry in ClinVar:

ClinVar aggregate classification (germline): Uncertain significance. Review status: criteria provided, multiple submitters, no conflicts (2 of 4 stars). 2 submissions from 2 submitters: Uncertain significance (2). Last evaluated 2023-11-27.

Allele frequency attached by ClinVar (database versions not stated): gnomAD exomes below 0.00001; TOPMed below 0.00001; gnomAD 0.00001.

Submissions (2):

Labcorp Genetics (formerly Invitae), Labcorp
Classification: Uncertain significance. Last evaluated: 2023-11-27. Review status: criteria provided, single submitter. Criteria: Invitae Variant Classification Sherloc (09022015). Collection method: clinical testing. Allele origin: germline.
Comment: This sequence change creates a premature translational stop signal (p.Ser244Ilefs*34) in the RDH11 gene. While this is not anticipated to result in nonsense mediated decay, it is expected to disrupt the last 75 amino acid(s) of the RDH11 protein. This variant is not present in population databases (gnomAD no frequency). This variant has not been reported in the literature in individuals affected with RDH11-related conditions. ClinVar contains an entry for this variant (Variation ID: 1012050). Experimental studies and prediction algorithms are not available or were not evaluated, and the functional significance of this variant is currently unknown. In summary, the available evidence is currently insufficient to determine the role of this variant in disease. Therefore, it has been classified as a Variant of Uncertain Significance.

Blueprint Genetics
Classification: Uncertain significance. Last evaluated: 2020-01-16. Review status: criteria provided, single submitter. Criteria: ACMG Guidelines, 2015. Collection method: clinical testing. Allele origin: germline.

NM_016026.4(RDH11):c.729dup (p.Ser244fs)

Genes: GPHN (gephyrin; plus strand), RDH11 (retinol dehydrogenase 11; minus strand). Cytogenetic location: 14q24.1.
Variant type: Duplication.
Coding change: c.729dup on transcript NM_016026.4 (MANE Select); coding-DNA position 729, one base duplicated (A; older notation c.729dupA).
Protein change: p.Ser244fs; shifts the reading frame from serine 244.
Molecular consequence: frameshift variant.
Genome position (GRCh38, 1-based): chr14:67,685,140, T duplicated on the plus strand (A on the coding strand, the reverse complement: RDH11 is on the minus strand). VCF-style (leftmost placement, unchanged base first): chr14-67685139-A-AT. GRCh37 (hg19) VCF-style: chr14-68151856-A-AT.
Other names: c.519dup, p.Ser174fs (NM_001252650.2); short protein forms S174fs, S244fs.
Identifiers: ClinVar variation 1012050 (VCV001012050.5), dbSNP rs1194159855, ClinGen allele CA707988136.